The following is an entry in ClinVar:

NM_001843.4(CNTN1):c.2113+39C>G

Gene: CNTN1 (contactin 1; plus strand). Cytogenetic location: 12q12.
Variant type: single nucleotide variant.
Coding change: c.2113+39C>G on transcript NM_001843.4 (MANE Select); 39 bases into the intron after coding-DNA position 2113, C replaced by G.
Molecular consequence: intron variant.
Genome position (GRCh38, 1-based): chr12:40,993,308, C>G. VCF-style: chr12-40993308-C-G. GRCh37 (hg19) VCF-style: chr12-41387110-C-G.
Other names: c.2080+39C>G (NM_175038.2).
Identifiers: ClinVar variation 679164 (VCV000679164.2), dbSNP rs278911, ClinGen allele CA6517053.

ClinVar aggregate classification (germline): Benign. Review status: criteria provided, multiple submitters, no conflicts (2 of 4 stars). 2 submissions from 2 submitters: Benign (2). Last evaluated 2018-06-16.

Allele frequency attached by ClinVar (database versions not stated): gnomAD exomes 0.21998; ExAC 0.23927; 1000 Genomes Project 0.26138; 1000 Genomes Project 30x 0.26811; gnomAD 0.28308 and 0.29181; TOPMed 0.28647; ESP Exome Variant Server 0.29817.
gnomAD v4.1: 355,217 of 1,553,298 alleles (23%); highest among the groups gnomAD compares: African/African-American, 45%; 43,214 homozygotes.

Submissions (2):

GeneDx
Classification: Benign. Last evaluated: 2018-06-16. Review status: criteria provided, single submitter. Criteria: GeneDx Variant Classification (06012015). Collection method: clinical testing. Allele origin: germline. Affected: yes.
Comment: This variant is considered likely benign or benign based on one or more of the following criteria: it is a conservative change, it occurs at a poorly conserved position in the protein, it is predicted to be benign by multiple in silico algorithms, and/or has population frequency not consistent with disease.

Breakthrough Genomics
Classification: Benign. Review status: criteria provided, single submitter. Criteria: ACMG Guidelines, 2015. Collection method: not provided. Allele origin: germline. Inheritance: Autosomal recessive inheritance. Affected: yes.